The following is an entry in ClinVar:

NM_000489.6(ATRX):c.662+3A>G

Gene: ATRX (ATRX chromatin remodeler; minus strand). Cytogenetic location: Xq21.1.
Variant type: single nucleotide variant.
Coding change: c.662+3A>G on transcript NM_000489.6 (MANE Select); 3 bases into the intron after coding-DNA position 662, A replaced by G.
Molecular consequence: intron variant.
Genome position (GRCh38, 1-based): chrX:77,684,936, T>C on the plus strand (A>G on the coding strand, the complement: ATRX is on the minus strand). VCF-style: chrX-77684936-T-C. GRCh37 (hg19) VCF-style: chrX-76940428-T-C.
Other names: c.548+3A>G (NM_138270.5).
Identifiers: ClinVar variation 1754523 (VCV001754523.2), dbSNP rs2071470893, ClinGen allele CA2438987941.

ClinVar aggregate classification (germline): Uncertain significance (1 of 4 stars; one submission).

Conditions:
Inborn genetic diseases. Identifiers: MedGen C0950123, MeSH D030342.

Submission:

Ambry Genetics
Classification: Uncertain significance for Inborn genetic diseases. Last evaluated: 2017-06-29. Review status: criteria provided, single submitter. Criteria: Ambry Variant Classification Scheme 2023. Collection method: clinical testing. Allele origin: germline.
Comment: The c.662+3A>G intronic variant results from an A to G substitution 3 nucleotides after coding exon 8 in the ATRX gene. This nucleotide position is highly conserved in available vertebrate species. Using the BDGP and ESEfinder splice site prediction tools, this alteration is not predicted to have any significant effect on this splice donor site; however, direct evidence is unavailable. Since supporting evidence is limited at this time, the clinical significance of this alteration remains unclear.